The following is an entry in ClinVar:

ClinVar aggregate classification (germline): Uncertain significance (1 of 4 stars; one submission).

Submission:

GeneDx
Classification: Uncertain significance. Last evaluated: 2024-05-02. Review status: criteria provided, single submitter. Criteria: GeneDx Variant Classification Process June 2021. Collection method: clinical testing. Allele origin: germline. Affected: yes.
Comment: Not observed at significant frequency in large population cohorts (gnomAD); Has not been previously published as pathogenic or benign to our knowledge; Canonical splice site variant in a gene for which loss-of-function is not an established mechanism of disease

NM_001252102.2(KIF21B):c.4614+2_4614+3del

Gene: KIF21B (kinesin family member 21B; minus strand). Cytogenetic location: 1q32.1.
Variant type: Deletion.
Coding change: c.4614+2_4614+3del on transcript NM_001252102.2 (MANE Select); the canonical splice donor site of the intron after coding-DNA position 4614 through 3 bases into the intron after coding-DNA position 4614, 2 bases deleted (TG; older notation c.4614+2_4614+3delTG).
Molecular consequence: splice donor variant.
Genome position (GRCh38, 1-based): chr1:200,975,496-200,975,497, CA deleted on the plus strand (TG on the coding strand, the reverse complement: KIF21B is on the minus strand); deleting any 2 consecutive bases within chr1:200,975,496-200,975,498 gives the same sequence; the c. name uses the placement nearest the transcript's 3' end. VCF-style (leftmost placement, unchanged base first): chr1-200975495-CCA-C. GRCh37 (hg19) VCF-style: chr1-200944623-CCA-C.
Other names: c.4575+2_4575+3del (NM_001252103.2, NM_017596.4); c.4614+2_4614+3del (NM_001252100.2).
Identifiers: ClinVar variation 3375941 (VCV003375941.1).
Genomic context (GRCh38, chr1:200,975,495, plus strand): 5'-CCCTGCGTGGGCTATGGAAACCACCCTACCCGAGTCTACCCTCTCCCTTTCCTCCTGACC[CCA>C]CCTGGATGAGCTCCTGCTGGTCTAGGTCCCACTTCTTGATGCCGTTATCTCGGGAGCCAC-3'